The following is an entry in ClinVar:

NM_007118.4(TRIO):c.4717-5T>C

Gene: TRIO (trio Rho guanine nucleotide exchange factor; plus strand). Cytogenetic location: 5p15.2.
Variant type: single nucleotide variant.
Coding change: c.4717-5T>C on transcript NM_007118.4 (MANE Select); 5 bases into the intron before coding-DNA position 4717, T replaced by C.
Molecular consequence: intron variant.
Genome position (GRCh38, 1-based): chr5:14,405,843, T>C. VCF-style: chr5-14405843-T-C. GRCh37 (hg19) VCF-style: chr5-14405952-T-C.
Identifiers: ClinVar variation 1314989 (VCV001314989.2), dbSNP rs2152380290, ClinGen allele CA2573052445.

ClinVar aggregate classification (germline): Uncertain significance (1 of 4 stars; one submission).

Submission:

GeneDx
Classification: Uncertain significance. Last evaluated: 2020-02-14. Review status: criteria provided, single submitter. Criteria: GeneDx Variant Classification Process June 2021. Collection method: clinical testing. Allele origin: germline. Affected: yes.
Comment: Not observed in large population cohorts (Lek et al., 2016); Has not been previously published as pathogenic or benign to our knowledge; In-silico analysis, which includes splice predictors and evolutionary conservation, is inconclusive as to whether the variant alters gene splicing. In the absence of RNA/functional studies, the actual effect of this sequence change is unknown.